The following is an entry in ClinVar:

NM_152564.5(VPS13B):c.3393G>A (p.Met1131Ile)

Gene: VPS13B (vacuolar protein sorting 13 homolog B; plus strand). Cytogenetic location: 8q22.2.
Variant type: single nucleotide variant.
Coding change: c.3393G>A on transcript NM_152564.5 (MANE Select); coding-DNA position 3393, G replaced by A.
Protein change: p.Met1131Ile; replaces methionine 1131 with isoleucine.
Molecular consequence: missense variant.
Genome position (GRCh38, 1-based): chr8:99,442,583, G>A. VCF-style: chr8-99442583-G-A. GRCh37 (hg19) VCF-style: chr8-100454811-G-A.
Other names: c.3393G>A, p.Met1131Ile (NM_017890.5); short protein forms M1131I.
Identifiers: ClinVar variation 3252515 (VCV003252515.1), dbSNP rs2490163277.

ClinVar aggregate classification (germline): Uncertain significance (1 of 4 stars; one submission).

Allele frequency attached by ClinVar (database versions not stated): gnomAD exomes below 0.00001.

Submission:

GeneDx
Classification: Uncertain significance. Last evaluated: 2023-12-18. Review status: criteria provided, single submitter. Criteria: GeneDx Variant Classification Process June 2021. Collection method: clinical testing. Allele origin: germline. Affected: yes.
Comment: Not observed at significant frequency in large population cohorts (gnomAD); In silico analysis supports that this missense variant does not alter protein structure/function; Has not been previously published as pathogenic or benign to our knowledge